The following is an entry in ClinVar:

NM_005157.6(ABL1):c.2992T>C (p.Ser998Pro)

Gene: ABL1 (ABL proto-oncogene 1, non-receptor tyrosine kinase; plus strand). Cytogenetic location: 9q34.12.
Variant type: single nucleotide variant.
Coding change: c.2992T>C on transcript NM_005157.6 (MANE Select); coding-DNA position 2992, T replaced by C.
Protein change: p.Ser998Pro; replaces serine 998 with proline.
Molecular consequence: missense variant.
Genome position (GRCh38, 1-based): chr9:130,885,282, T>C. VCF-style: chr9-130885282-T-C. GRCh37 (hg19) VCF-style: chr9-133760669-T-C.
Other names: c.3049T>C (NM_007313.2); c.3049T>C, p.Ser1017Pro (NM_007313.3); short protein forms S1017P, S998P.
Identifiers: ClinVar variation 2107338 (VCV002107338.6), dbSNP rs2133039628, ClinGen allele CA375260873.
Genomic context (GRCh38, chr9:130,885,282, plus strand): 5'-CCAGCCCCCGTTCCCTCCACGTTGCCATCAGCATCCTCGGCCCTGGCAGGGGACCAGCCG[T>C]CTTCCACCGCCTTCATCCCTCTCATATCAACCCGAGTGTCTCTTCGGAAAACCCGCCAGC-3'
Protein context (NP_005148.2, residues 988-1008): ASSALAGDQP[Ser998Pro]STAFIPLIST

ClinVar aggregate classification (germline): Uncertain significance. Review status: criteria provided, multiple submitters, no conflicts (2 of 4 stars). 2 submissions from 2 submitters: Uncertain significance (2). Last evaluated 2023-11-29.

Conditions:
Inborn genetic diseases. Identifiers: MedGen C0950123, MeSH D030342.

Submissions (2):

Labcorp Genetics (formerly Invitae), Labcorp
Classification: Uncertain significance. Last evaluated: 2023-11-29. Review status: criteria provided, single submitter. Criteria: Invitae Variant Classification Sherloc (09022015). Collection method: clinical testing. Allele origin: germline.
Comment: This sequence change replaces serine, which is neutral and polar, with proline, which is neutral and non-polar, at codon 1017 of the ABL1 protein (p.Ser1017Pro). This variant is not present in population databases (gnomAD no frequency). This variant has not been reported in the literature in individuals affected with ABL1-related conditions. ClinVar contains an entry for this variant (Variation ID: 2107338). Advanced modeling of protein sequence and biophysical properties (such as structural, functional, and spatial information, amino acid conservation, physicochemical variation, residue mobility, and thermodynamic stability) performed at Invitae indicates that this missense variant is not expected to disrupt ABL1 protein function with a negative predictive value of 95%. In summary, the available evidence is currently insufficient to determine the role of this variant in disease. Therefore, it has been classified as a Variant of Uncertain Significance.

Ambry Genetics
Classification: Uncertain significance for Inborn genetic diseases. Last evaluated: 2023-06-30. Review status: criteria provided, single submitter. Criteria: Ambry Variant Classification Scheme 2023. Collection method: clinical testing. Allele origin: germline.